The following is an entry in ClinVar:

NM_032043.3(BRIP1):c.2510A>G (p.Asn837Ser)

Gene: BRIP1 (BRCA1 interacting DNA helicase 1; minus strand). Cytogenetic location: 17q23.2.
Variant type: single nucleotide variant.
Coding change: c.2510A>G on transcript NM_032043.3 (MANE Select); coding-DNA position 2510, A replaced by G.
Protein change: p.Asn837Ser; replaces asparagine 837 with serine.
Molecular consequence: missense variant.
Genome position (GRCh38, 1-based): chr17:61,693,495, T>C on the plus strand (A>G on the coding strand, the complement: BRIP1 is on the minus strand). VCF-style: chr17-61693495-T-C. GRCh37 (hg19) VCF-style: chr17-59770856-T-C.
Other names: short protein forms N837S.
Identifiers: ClinVar variation 485466 (VCV000485466.14), dbSNP rs1555574810, ClinGen allele CA400482473.

ClinVar aggregate classification (germline): Uncertain significance. Review status: criteria provided, multiple submitters, no conflicts (2 of 4 stars). 2 submissions from 2 submitters: Uncertain significance (2). Last evaluated 2018-01-02.

Conditions:
Hereditary cancer-predisposing syndrome. Also called: Hereditary neoplastic syndrome; Neoplastic Syndromes, Hereditary; Tumor predisposition; Hereditary Cancer Syndrome. Identifiers: Orphanet 140162, MedGen C0027672, MeSH D009386, MONDO:0015356.
Fanconi anemia complementation group J. Also called: BRIP1-Related Fanconi Anemia. Identifiers: Orphanet 84, MedGen C1836860, MONDO:0012187, OMIM 609054.
Familial cancer of breast. Also called: BREAST CANCER, FAMILIAL; Hereditary breast cancer; hereditary breast carcinoma. Identifiers: Orphanet 227535, MedGen C0346153, MONDO:0016419, OMIM 114480. Disease mechanism: loss of function.

Submissions (2):

Labcorp Genetics (formerly Invitae), Labcorp
Classification: Uncertain significance for Familial cancer of breast; Fanconi anemia complementation group J. Last evaluated: 2018-01-02. Review status: criteria provided, single submitter. Criteria: Invitae Variant Classification Sherloc (09022015). Collection method: clinical testing. Allele origin: germline.
Comment: This sequence change replaces asparagine with serine at codon 837 of the BRIP1 protein (p.Asn837Ser). The asparagine residue is highly conserved and there is a small physicochemical difference between asparagine and serine. This variant is not present in population databases (ExAC no frequency). In summary, the available evidence is currently insufficient to determine the role of this variant in disease. Therefore, it has been classified as a Variant of Uncertain Significance. Algorithms developed to predict the effect of missense changes on protein structure and function do not agree on the potential impact of this missense change (SIFT: "Tolerated"; PolyPhen-2: "Possibly Damaging"; Align-GVGD: "Class C0"). This variant has not been reported in the literature in individuals with BRIP1-related disease.

Ambry Genetics
Classification: Uncertain significance for Hereditary cancer-predisposing syndrome. Last evaluated: 2017-06-28. Review status: criteria provided, single submitter. Criteria: Ambry Variant Classification Scheme 2023. Collection method: clinical testing. Allele origin: germline.
Comment: The p.N837S variant (also known as c.2510A>G), located in coding exon 17 of the BRIP1 gene, results from an A to G substitution at nucleotide position 2510. The asparagine at codon 837 is replaced by serine, an amino acid with highly similar properties. This amino acid position is well conserved in available vertebrate species. In addition, this alteration is predicted to be tolerated by in silico analysis. Since supporting evidence is limited at this time, the clinical significance of this alteration remains unclear.